The following is an entry in ClinVar:

ClinVar aggregate classification (germline): Uncertain significance (1 of 4 stars; one submission).

Submission:

Labcorp Genetics (formerly Invitae), Labcorp
Classification: Uncertain significance. Last evaluated: 2022-05-19. Review status: criteria provided, single submitter. Criteria: Invitae Variant Classification Sherloc (09022015). Collection method: clinical testing. Allele origin: germline.
Comment: This sequence change replaces proline, which is neutral and non-polar, with leucine, which is neutral and non-polar, at codon 425 of the UNC45A protein (p.Pro425Leu). The frequency data for this variant in the population databases is considered unreliable, as metrics indicate poor data quality at this position in the gnomAD database. This variant has not been reported in the literature in individuals affected with UNC45A-related conditions. Algorithms developed to predict the effect of missense changes on protein structure and function are either unavailable or do not agree on the potential impact of this missense change (SIFT: "Not Available"; PolyPhen-2: "Probably Damaging"; Align-GVGD: "Not Available"). In summary, the available evidence is currently insufficient to determine the role of this variant in disease. Therefore, it has been classified as a Variant of Uncertain Significance.

NM_018671.5(UNC45A):c.1274_1275inv (p.Pro425Leu)

Gene: UNC45A (unc-45 myosin chaperone A; plus strand). Cytogenetic location: 15q26.1.
Variant type: Inversion.
Coding change: c.1274_1275inv on transcript NM_018671.5 (MANE Select).
Protein change: p.Pro425Leu; replaces proline 425 with leucine.
Molecular consequence: missense variant.
Genome position: GRCh38 VCF-style: chr15-90946688-CA-TG. GRCh37 (hg19) VCF-style: chr15-91489918-CA-TG.
Other names: c.1229_1230inv, p.Pro410Leu (NM_001039675.2, NM_001323621.2); c.1274_1275inv, p.Pro425Leu (NM_001323619.1); c.839_840inv, p.Pro280Leu (NM_001323620.2); short protein forms P280L, P425L, P410L.
Identifiers: ClinVar variation 1949279 (VCV001949279.5), ClinGen allele CA2580090282.